The following is an entry in ClinVar:

NC_000008.10:g.(?_72123371)_(72123511_?)del

Gene: EYA1 (EYA transcriptional coactivator and phosphatase 1; minus strand). Cytogenetic location: 8q13.3.
Variant type: Deletion.
Identifiers: ClinVar variation 1457573 (VCV001457573.5).

ClinVar aggregate classification (germline): Pathogenic (1 of 4 stars; one submission).

Conditions:
Melnick-Fraser syndrome (BOR). Also called: Branchio-oto-renal syndrome; Branchiootorenal Syndrome (BORS); Branchiootorenal syndrome. Identifiers: Orphanet 107, MedGen C0265234, MONDO:0007029.

Submission:

Labcorp Genetics (formerly Invitae), Labcorp
Classification: Pathogenic for Melnick-Fraser syndrome. Last evaluated: 2022-07-23. Review status: criteria provided, single submitter. Criteria: Invitae Variant Classification Sherloc (09022015). Collection method: clinical testing. Allele origin: germline.
Comment: For these reasons, this variant has been classified as Pathogenic. A similar copy number variant has been observed in individuals with branchiootorenal spectrum disorders (PMID: 29500469; Invitae). It has also been observed to segregate with disease in related individuals. This variant is a gross deletion of the genomic region encompassing exon(s) 17 of the EYA1 gene. While this deletion is not anticipated to lead to nonsense mediated decay, it is expected to disrupt the C-terminus of the protein.

Literature cited by the submitters: PubMed 29500469.